The following is an entry in ClinVar:

NM_000465.4(BARD1):c.158+20G>A

Gene: BARD1 (BRCA1 associated RING domain 1; minus strand). Cytogenetic location: 2q35.
Variant type: single nucleotide variant.
Coding change: c.158+20G>A on transcript NM_000465.4 (MANE Select); 20 bases into the intron after coding-DNA position 158, G replaced by A.
Molecular consequence: intron variant.
Genome position (GRCh38, 1-based): chr2:214,809,392, C>T on the plus strand (G>A on the coding strand, the complement: BARD1 is on the minus strand). VCF-style: chr2-214809392-C-T. GRCh37 (hg19) VCF-style: chr2-215674116-C-T.
Other names: c.158+20G>A (NM_001282548.2, NM_001282543.2, NM_001282545.2 and 2 more transcripts).
Identifiers: ClinVar variation 380325 (VCV000380325.12), dbSNP rs1057520824, ClinGen allele CA16604134.

ClinVar aggregate classification (germline): Likely benign. Review status: criteria provided, multiple submitters, no conflicts (2 of 4 stars). 3 submissions from 3 submitters: Likely benign (3). Last evaluated 2025-12-22.

Conditions:
Hereditary cancer-predisposing syndrome. Also called: Tumor predisposition; Hereditary neoplastic syndrome; Neoplastic Syndromes, Hereditary; Hereditary Cancer Syndrome. Identifiers: Orphanet 140162, MedGen C0027672, MeSH D009386, MONDO:0015356.
Familial cancer of breast. Also called: hereditary breast carcinoma; Hereditary breast cancer; BREAST CANCER, FAMILIAL. Identifiers: Orphanet 227535, MedGen C0346153, MONDO:0016419, OMIM 114480. Disease mechanism: loss of function.

Allele frequency attached by ClinVar (database versions not stated): gnomAD exomes below 0.00001; TOPMed below 0.00001; gnomAD 0.00001.
gnomAD v4.1: 9 of 1,612,070 alleles (0.00056%); highest among the groups gnomAD compares: Non-Finnish European, 0.00076%; no homozygotes.

Submissions (3):

Labcorp Genetics (formerly Invitae), Labcorp
Classification: Likely benign for Familial cancer of breast. Last evaluated: 2025-12-22. Review status: criteria provided, single submitter. Criteria: Invitae Variant Classification Sherloc (09022015). Collection method: clinical testing. Allele origin: germline.

Color Diagnostics, LLC DBA Color Health
Classification: Likely benign for Hereditary cancer-predisposing syndrome. Last evaluated: 2016-11-06. Review status: criteria provided, single submitter. Criteria: ACMG Guidelines, 2015. Collection method: clinical testing. Allele origin: germline.

GeneDx
Classification: Likely benign. Last evaluated: 2015-10-22. Review status: criteria provided, single submitter. Criteria: GeneDx Variant Classification (06012015). Collection method: clinical testing. Allele origin: germline. Affected: yes.
Comment: This variant is considered likely benign or benign based on one or more of the following criteria: it is a conservative change, it occurs at a poorly conserved position in the protein, it is predicted to be benign by multiple in silico algorithms, and/or has population frequency not consistent with disease.